The following is an entry in ClinVar:

NM_000256.3(MYBPC3):c.2318A>T (p.Asp773Val)

Gene: MYBPC3 (myosin binding protein C3; minus strand). Cytogenetic location: 11p11.2.
Variant type: single nucleotide variant.
Coding change: c.2318A>T on transcript NM_000256.3 (MANE Select); coding-DNA position 2318, A replaced by T.
Protein change: p.Asp773Val; replaces aspartic acid 773 with valine.
Molecular consequence: missense variant.
Genome position (GRCh38, 1-based): chr11:47,337,785, T>A on the plus strand (A>T on the coding strand, the complement: MYBPC3 is on the minus strand). VCF-style: chr11-47337785-T-A. GRCh37 (hg19) VCF-style: chr11-47359336-T-A.
Other names: short protein forms D773V.
Identifiers: ClinVar variation 1172455 (VCV001172455.3), dbSNP rs2142855771, ClinGen allele CA380319168.
Genomic context (GRCh38, chr11:47,337,785, plus strand): 5'-TCCCACTGTACTGTGCAGGAGTCCTCTCCCACGTTGCTGATCTTGGGGGCCGCAGGTGCG[T>A]CTGGCACGTCTGGATGGGGTGGGATGGACCCACATCAGCCCTGCCCCGCTCAGGGCCTTG-3'
Protein context (NP_000247.2, residues 763-783): NLTVKVIDVP[Asp773Val]APAAPKISNV

ClinVar aggregate classification (germline): Uncertain significance (1 of 4 stars; one submission).

Conditions:
Cardiomyopathy (CMYO). Also called: Cardiomyopathies. Identifiers: Orphanet 167848, MedGen C0878544, MONDO:0004994, HP:0001638. Inheritance: Various modes of inheritance.

Submission:

Color Diagnostics, LLC DBA Color Health
Classification: Uncertain significance for Cardiomyopathy. Last evaluated: 2024-03-06. Review status: criteria provided, single submitter. Criteria: ACMG Guidelines, 2015. Collection method: clinical testing. Allele origin: germline.
Comment: This missense variant replaces aspartic acid with valine at codon 773 of the MYBPC3 protein. Computational prediction is inconclusive regarding the impact of this variant on protein structure and function (internally defined REVEL score threshold 0.5 < inconclusive < 0.7, PMID: 27666373). To our knowledge, functional studies have not been reported for this variant. This variant has not been reported in individuals affected with cardiovascular disorders in the literature. This variant has not been identified in the general population by the Genome Aggregation Database (gnomAD). The available evidence is insufficient to determine the role of this variant in disease conclusively. Therefore, this variant is classified as a Variant of Uncertain Significance.